The following is an entry in ClinVar:

ClinVar aggregate classification (germline): Benign (1 of 4 stars; one submission).

Conditions:
Neuronal ceroid lipofuscinosis 5 (CLN5). Also called: Neuronal ceroid lipofuscinosis Finnish variant; NEURONAL CEROID LIPOFUSCINOSIS, LATE INFANTILE, FINNISH VARIANT; CLN5-Related Neuronal Ceroid-Lipofuscinosis; CEROID LIPOFUSCINOSIS, NEURONAL, 5, VARIABLE AGE AT ONSET. Identifiers: Orphanet 168491, Orphanet 228360, MedGen C1850442, MONDO:0009745, OMIM 256731.

Allele frequency attached by ClinVar (database versions not stated): gnomAD 0.00488 and 0.00513; TOPMed 0.00517; 1000 Genomes Project 30x 0.00656; 1000 Genomes Project 0.00659.

Submission:

Illumina Laboratory Services, Illumina
Classification: Benign for Neuronal ceroid lipofuscinosis 5. Last evaluated: 2018-01-12. Review status: criteria provided, single submitter. Criteria: ICSL Variant Classification Criteria 13 December 2019. Collection method: clinical testing. Allele origin: germline.
Comment: This variant was observed in the ICSL laboratory as part of a predisposition screen in an ostensibly healthy population. It had not been previously curated by ICSL or reported in the Human Gene Mutation Database (HGMD: prior to June 1st, 2018), and was therefore a candidate for classification through an automated scoring system. Utilizing variant allele frequency, disease prevalence and penetrance estimates, and inheritance mode, an automated score was calculated to assess if this variant is too frequent to cause the disease. Based on the score and internal cut-off values, a variant classified as benign is not then subjected to further curation. The score for this variant resulted in a classification of benign for this disease.

NM_006493.4(CLN5):c.*1159G>A

Gene: CLN5 (CLN5 lysosomal BMP synthase; plus strand). Cytogenetic location: 13q22.3.
Variant type: single nucleotide variant.
Coding change: c.*1159G>A on transcript NM_006493.4 (MANE Select); 1159 bases downstream of the stop codon, G replaced by A.
Molecular consequence: 3 prime UTR variant.
Genome position (GRCh38, 1-based): chr13:77,002,128, G>A. VCF-style: chr13-77002128-G-A. GRCh37 (hg19) VCF-style: chr13-77576263-G-A.
Other names: c.*1685G>A (NM_001366624.2).
Identifiers: ClinVar variation 883281 (VCV000883281.4), dbSNP rs75441116, ClinGen allele CA252178041.